The following is an entry in ClinVar:

ClinVar aggregate classification (germline): Uncertain significance. Review status: criteria provided, multiple submitters, no conflicts (2 of 4 stars). 3 submissions from 3 submitters: Uncertain significance (2). 1 of the submissions does not count toward it. Last evaluated 2025-11-18.

Conditions:
Inborn genetic diseases. Identifiers: MedGen C0950123, MeSH D030342.
VCAN-related disorder. Also called: VCAN-related condition.

Allele frequency attached by ClinVar (database versions not stated): gnomAD exomes 0.00002; gnomAD 0.00003 and 0.00004; TOPMed 0.00004.
gnomAD v4.1: 33 of 1,613,758 alleles (0.002%); highest among the groups gnomAD compares: Non-Finnish European, 0.0026%; no homozygotes.

Submissions (3):

Labcorp Genetics (formerly Invitae), Labcorp
Classification: Uncertain significance. Last evaluated: 2025-11-18. Review status: criteria provided, single submitter. Criteria: Invitae Variant Classification Sherloc (09022015). Collection method: clinical testing. Allele origin: germline.
Comment: This sequence change replaces serine, which is neutral and polar, with tyrosine, which is neutral and polar, at codon 1634 of the VCAN protein (p.Ser1634Tyr). This variant is present in population databases (rs765791345, gnomAD 0.004%). This variant has not been reported in the literature in individuals affected with VCAN-related conditions. ClinVar contains an entry for this variant (Variation ID: 1038488). An algorithm developed to predict the effect of missense changes on protein structure and function (PolyPhen-2) suggests that this variant is likely to be disruptive. In summary, the available evidence is currently insufficient to determine the role of this variant in disease. Therefore, it has been classified as a Variant of Uncertain Significance.

Ambry Genetics
Classification: Uncertain significance for Inborn genetic diseases. Last evaluated: 2023-03-27. Review status: criteria provided, single submitter. Criteria: Ambry Variant Classification Scheme 2023. Collection method: clinical testing. Allele origin: germline.

PreventionGenetics, part of Exact Sciences
Classification: Uncertain significance for VCAN-related condition. Last evaluated: 2024-09-16. Review status: no assertion criteria provided. Collection method: clinical testing. Allele origin: germline. Not counted in ClinVar's aggregate classification.
Comment: The VCAN c.4901C>A variant is predicted to result in the amino acid substitution p.Ser1634Tyr. To our knowledge, this variant has not been reported in the literature. This variant is reported in 0.0039% of alleles in individuals of European (non-Finnish) descent in gnomAD. At this time, the clinical significance of this variant is uncertain due to the absence of conclusive functional and genetic evidence.

NM_004385.5(VCAN):c.4901C>A (p.Ser1634Tyr)

Genes: VCAN-AS1 (VCAN antisense RNA 1; minus strand), VCAN (versican; plus strand). Cytogenetic location: 5q14.3.
Variant type: single nucleotide variant.
Coding change: c.4901C>A on transcript NM_004385.5 (MANE Select); coding-DNA position 4901, C replaced by A.
Protein change: p.Ser1634Tyr; replaces serine 1634 with tyrosine.
Molecular consequence: missense variant. On other transcripts: intron variant (2).
Genome position (GRCh38, 1-based): chr5:83,537,904, C>A. VCF-style: chr5-83537904-C-A. GRCh37 (hg19) VCF-style: chr5-82833723-C-A.
Other names: c.4901C>A (NM_004385.4); c.1940C>A, p.Ser647Tyr (NM_001164097.2); c.4004-7633C>A (NM_001164098.2); c.1043-7633C>A (NM_001126336.3); short protein forms S647Y, S1634Y.
Identifiers: ClinVar variation 1038488 (VCV001038488.12), dbSNP rs765791345, ClinGen allele CA121808919.
Genomic context (GRCh38, chr5:83,537,904, plus strand): 5'-CTACCAAAGAAAGCTGGGTAGAAGCAACTCCTAGACAAGTTGTAGAGCTCTCAGGGAGTT[C>A]TTCGATTCCAATTACAGAAGGCTCTGGAGAAGCAGAAGAAGATGAAGATACAATGTTCAC-3'
Protein context (NP_004376.2, residues 1624-1644): PRQVVELSGS[Ser1634Tyr]SIPITEGSGE